The following is an entry in ClinVar:

NM_052947.4(ALPK2):c.5258C>T (p.Ala1753Val)

Genes: ALPK2 (alpha kinase 2; minus strand), LOC130062577 (ATAC-STARR-seq lymphoblastoid active region 13389; plus strand). Cytogenetic location: 18q21.31.
Variant type: single nucleotide variant.
Coding change: c.5258C>T on transcript NM_052947.4 (MANE Select); coding-DNA position 5258, C replaced by T.
Protein change: p.Ala1753Val; replaces alanine 1753 with valine.
Molecular consequence: missense variant.
Genome position (GRCh38, 1-based): chr18:58,534,929, G>A on the plus strand (C>T on the coding strand, the complement: ALPK2 is on the minus strand). VCF-style: chr18-58534929-G-A. GRCh37 (hg19) VCF-style: chr18-56202161-G-A.
Other names: short protein forms A1753V.
Identifiers: ClinVar variation 1746394 (VCV001746394.2), dbSNP rs2051635203, ClinGen allele CA402557324.

ClinVar aggregate classification (germline): Uncertain significance (1 of 4 stars; one submission).

Submission:

Ambry Genetics
Classification: Uncertain significance. Last evaluated: 2021-08-30. Review status: criteria provided, single submitter. Criteria: Ambry Variant Classification Scheme 2023. Collection method: clinical testing. Allele origin: germline.
Comment: The p.A1753V variant (also known as c.5258C>T), located in coding exon 4 of the ALPK2 gene, results from a C to T substitution at nucleotide position 5258. The alanine at codon 1753 is replaced by valine, an amino acid with similar properties. This amino acid position is conserved. In addition, this alteration is predicted to be tolerated by in silico analysis. Since supporting evidence is limited at this time, the clinical significance of this alteration remains unclear.